The following is an entry in ClinVar:

NM_006493.4(CLN5):c.429del (p.Cys144fs)

Gene: CLN5 (CLN5 lysosomal BMP synthase; plus strand). Cytogenetic location: 13q22.3.
Variant type: Deletion.
Coding change: c.429del on transcript NM_006493.4 (MANE Select); coding-DNA position 429, one base deleted (C; older notation c.429delC).
Protein change: p.Cys144fs; shifts the reading frame from cysteine 144.
Molecular consequence: frameshift variant.
Genome position (GRCh38, 1-based): chr13:76,995,991, C deleted. VCF-style (leftmost placement, unchanged base first): chr13-76995990-AC-A. GRCh37 (hg19) VCF-style: chr13-77570125-AC-A.
Other names: c.429del, p.Cys144fs (NM_001366624.2); short protein forms C144fs.
Identifiers: ClinVar variation 3362324 (VCV003362324.4).

ClinVar aggregate classification (germline): Pathogenic/Likely pathogenic. Review status: criteria provided, multiple submitters, no conflicts (2 of 4 stars). 2 submissions from 2 submitters: Pathogenic (1); Likely pathogenic (1). Last evaluated 2025-03-24.

Conditions:
Neuronal ceroid lipofuscinosis 5 (CLN5). Also called: CEROID LIPOFUSCINOSIS, NEURONAL, 5, VARIABLE AGE AT ONSET; CLN5-Related Neuronal Ceroid-Lipofuscinosis; Neuronal ceroid lipofuscinosis Finnish variant; NEURONAL CEROID LIPOFUSCINOSIS, LATE INFANTILE, FINNISH VARIANT. Identifiers: Orphanet 168491, Orphanet 228360, MedGen C1850442, MONDO:0009745, OMIM 256731.

Submissions (2):

Myriad Genetics, Inc.
Classification: Pathogenic for Neuronal ceroid lipofuscinosis 5. Last evaluated: 2025-03-24. Review status: criteria provided, single submitter. Criteria: Myriad Autosomal Dominant, Autosomal Recessive and X-Linked Classification Criteria (2023). Collection method: clinical testing. Allele origin: unknown.
Comment: NM_006493.2(CLN5):c.576delC(C193Vfs*38) is a frameshift variant classified as pathogenic in the context of CLN5-related neuronal ceroid lipofuscinosis. C193Vfs*38 has not been observed in cases with relevant disease. Relevant functional assessments of this variant are not available in the literature. C193Vfs*38 has not been observed in referenced population frequency databases. In summary, NM_006493.2(CLN5):c.576delC(C193Vfs*38) is a frameshift variant in a gene where loss of function is a known mechanism of disease and is predicted to disrupt protein function. Please note: this variant was assessed in the context of healthy population screening.

Neuberg Centre For Genomic Medicine, NCGM
Classification: Likely pathogenic for Neuronal ceroid lipofuscinosis 5. Last evaluated: 2023-05-20. Review status: criteria provided, single submitter. Criteria: ACMG Guidelines, 2015. Collection method: clinical testing. Allele origin: germline. Inheritance: Autosomal recessive inheritance. Affected: yes.
Comment: The observed frameshift variant c.429del (p.Cys144ValfsTer38) in CLN5 gene has not been reported previously as a pathogenic variant nor as a benign variant, to our knowledge.The p.Cys144ValfsTer38 variant is absent in gnomAD Exomes. This variant has not been submitted to the ClinVar database. This variant causes a frameshift starting with codon Cysteine 144, changes this amino acid to Valine residue, and creates a premature Stop codon at position 38 of the new reading frame, denoted p.Cys144ValfsTer38. This variant is predicted to cause loss of normal protein function through protein truncation. Loss of function variants have been previously reported to be disease causing. Functional studies are required to prove the pathogenicity for the variant, for these reasons, this variant has been classified as Likely Pathogenic.